The following is an entry in ClinVar:

ClinVar aggregate classification (germline): Uncertain significance. Review status: criteria provided, multiple submitters, no conflicts (2 of 4 stars). 2 submissions from 2 submitters: Uncertain significance (2). Last evaluated 2025-04-06.

Conditions:
Long QT syndrome (LQTS). Identifiers: MedGen C0023976, MeSH D008133, MONDO:0002442. Disease mechanism: loss of function. Inheritance: Various modes of inheritance.
Cardiovascular phenotype. Identifiers: MedGen CN230736.

gnomAD v4.1: 4 of 1,613,668 alleles (0.00025%); highest among the groups gnomAD compares: African/African-American, 0.0053%; no homozygotes.

Submissions (2):

Ambry Genetics
Classification: Uncertain significance for Cardiovascular phenotype. Last evaluated: 2025-04-06. Review status: criteria provided, single submitter. Criteria: Ambry Variant Classification Scheme 2023. Collection method: clinical testing. Allele origin: germline.

Labcorp Genetics (formerly Invitae), Labcorp
Classification: Uncertain significance for Long QT syndrome. Last evaluated: 2022-06-07. Review status: criteria provided, single submitter. Criteria: Invitae Variant Classification Sherloc (09022015). Collection method: clinical testing. Allele origin: germline.
Comment: In summary, the available evidence is currently insufficient to determine the role of this variant in disease. Therefore, it has been classified as a Variant of Uncertain Significance. This sequence change replaces phenylalanine, which is neutral and non-polar, with leucine, which is neutral and non-polar, at codon 414 of the AKAP9 protein (p.Phe414Leu). This variant is present in population databases (no rsID available, gnomAD 0.008%). This variant has not been reported in the literature in individuals affected with AKAP9-related conditions. Algorithms developed to predict the effect of missense changes on protein structure and function output the following: SIFT: "Tolerated"; PolyPhen-2: "Benign"; Align-GVGD: "Class C0". The leucine amino acid residue is found in multiple mammalian species, which suggests that this missense change does not adversely affect protein function.

NM_005751.5(AKAP9):c.1242C>G (p.Phe414Leu)

Gene: AKAP9 (A-kinase anchoring protein 9; plus strand). Cytogenetic location: 7q21.2.
Variant type: single nucleotide variant.
Coding change: c.1242C>G on transcript NM_005751.5 (MANE Select); coding-DNA position 1242, C replaced by G.
Protein change: p.Phe414Leu; replaces phenylalanine 414 with leucine.
Molecular consequence: missense variant.
Genome position (GRCh38, 1-based): chr7:92,001,159, C>G. VCF-style: chr7-92001159-C-G. GRCh37 (hg19) VCF-style: chr7-91630473-C-G.
Other names: c.1242C>G, p.Phe414Leu (NM_147185.3); short protein forms F414L.
Identifiers: ClinVar variation 1758564 (VCV001758564.8), dbSNP rs200250245, ClinGen allele CA368121337.